The following is an entry in ClinVar:

ClinVar aggregate classification (germline): Uncertain significance (1 of 4 stars; one submission).

Conditions:
Hereditary spastic paraplegia 30. Identifiers: Orphanet 101010, MedGen C5235139, MONDO:0012476.
Neuropathy, hereditary sensory, type 2C. Also called: Hereditary sensory and autonomic neuropathy type IIC; KIF1A-Related HSAN2 (HSAN2C). Identifiers: Orphanet 970, MedGen C3280168, MONDO:0013634, OMIM 614213.
Intellectual disability, autosomal dominant 9 (NESCAVS). Also called: NESCAV SYNDROME; KIF1A-Related Neurodevelopmental Disorder. Identifiers: Orphanet 662367, MedGen C5393830, MONDO:0013656, OMIM 614255.

gnomAD v4.1: 2 of 1,612,690 alleles (0.00012%); highest among the groups gnomAD compares: Non-Finnish European, 0.000085%; no homozygotes.

Submission:

Labcorp Genetics (formerly Invitae), Labcorp
Classification: Uncertain significance for Hereditary spastic paraplegia 30; Neuropathy, hereditary sensory, type 2C; Intellectual disability, autosomal dominant 9. Last evaluated: 2023-08-04. Review status: criteria provided, single submitter. Criteria: Invitae Variant Classification Sherloc (09022015). Collection method: clinical testing. Allele origin: germline.
Comment: This sequence change falls in intron 13 of the KIF1A gene. It does not directly change the encoded amino acid sequence of the KIF1A protein. This variant is not present in population databases (gnomAD no frequency). This variant has not been reported in the literature in individuals affected with KIF1A-related conditions. ClinVar contains an entry for this variant (Variation ID: 2071740). Algorithms developed to predict the effect of sequence changes on RNA splicing suggest that this variant may create or strengthen a splice site. In summary, the available evidence is currently insufficient to determine the role of this variant in disease. Therefore, it has been classified as a Variant of Uncertain Significance.

NM_001244008.2(KIF1A):c.1342-6C>G

Gene: KIF1A (kinesin family member 1A; minus strand). Cytogenetic location: 2q37.3.
Variant type: single nucleotide variant.
Coding change: c.1342-6C>G on transcript NM_001244008.2 (MANE Select); 6 bases into the intron before coding-DNA position 1342, C replaced by G.
Molecular consequence: intron variant.
Genome position (GRCh38, 1-based): chr2:240,769,712, G>C on the plus strand (C>G on the coding strand, the complement: KIF1A is on the minus strand). VCF-style: chr2-240769712-G-C. GRCh37 (hg19) VCF-style: chr2-241709129-G-C.
Other names: c.1315-6C>G (NM_001379653.1, NM_001379650.1, NM_001379645.1 and 10 more transcripts); c.1417-6C>G (NM_001379635.1, NM_001330290.2, NM_001379646.1 and 2 more transcripts); c.1390-6C>G (NM_001379637.1, NM_001379648.1); c.1342-6C>G (NM_001320705.2, NM_001379638.1, NM_001330289.2).
Identifiers: ClinVar variation 2071740 (VCV002071740.4), dbSNP rs2537835404, ClinGen allele CA2580068037.